The following is an entry in ClinVar:

ClinVar aggregate classification (germline): Pathogenic (1 of 4 stars; one submission).

Conditions:
Isolated microphthalmia 2. Identifiers: Orphanet 2542, MedGen C1864720, MONDO:0012409, OMIM 610093.

Submission:

Labcorp Genetics (formerly Invitae), Labcorp
Classification: Pathogenic for Isolated microphthalmia 2. Last evaluated: 2021-02-03. Review status: criteria provided, single submitter. Criteria: Invitae Variant Classification Sherloc (09022015). Collection method: clinical testing. Allele origin: germline.
Comment: This variant is not present in population databases (ExAC no frequency). This sequence change creates a premature translational stop signal (p.Ala18Trpfs*24) in the VSX2 gene. It is expected to result in an absent or disrupted protein product. Loss-of-function variants in VSX2 are known to be pathogenic (PMID: 20414678). For these reasons, this variant has been classified as Pathogenic. This variant has not been reported in the literature in individuals with VSX2-related conditions.

Literature cited by the submitters: PubMed 20414678.

NM_182894.3(VSX2):c.50_51insAT (p.Ala18fs)

Gene: VSX2 (visual system homeobox 2; plus strand). Cytogenetic location: 14q24.3.
Variant type: Insertion.
Coding change: c.50_51insAT on transcript NM_182894.3 (MANE Select); coding-DNA positions 50 to 51, AT inserted.
Protein change: p.Ala18fs; shifts the reading frame from alanine 18.
Molecular consequence: frameshift variant.
Genome position: GRCh38 VCF-style: chr14-74239610-G-GTA. GRCh37 (hg19) VCF-style: chr14-74706313-G-GTA.
Other names: short protein forms A18fs.
Identifiers: ClinVar variation 1412831 (VCV001412831.6), dbSNP rs2139628331, ClinGen allele CA2573150162.